The following is an entry in ClinVar:

ClinVar aggregate classification (germline): Uncertain significance (1 of 4 stars; one submission).

Conditions:
Deficiency of butyryl-CoA dehydrogenase (ACADSD). Also called: ACADS DEFICIENCY; Short-Chain Acyl-CoA Dehydrogenase Deficiency; SCADH DEFICIENCY; SCAD Deficiency; SCAD DEFICIENCY, MILD; ACYL-CoA DEHYDROGENASE, SHORT-CHAIN, DEFICIENCY OF. Identifiers: Orphanet 26792, MedGen C0342783, MONDO:0008722, OMIM 201470. Disease mechanism: May be benign.

Submission:

Labcorp Genetics (formerly Invitae), Labcorp
Classification: Uncertain significance for Deficiency of butyryl-CoA dehydrogenase. Last evaluated: 2022-06-09. Review status: criteria provided, single submitter. Criteria: Invitae Variant Classification Sherloc (09022015). Collection method: clinical testing. Allele origin: germline.
Comment: In summary, the available evidence is currently insufficient to determine the role of this variant in disease. Therefore, it has been classified as a Variant of Uncertain Significance. Advanced modeling of protein sequence and biophysical properties (such as structural, functional, and spatial information, amino acid conservation, physicochemical variation, residue mobility, and thermodynamic stability) performed at Invitae indicates that this missense variant is expected to disrupt ACADS protein function. This variant has not been reported in the literature in individuals affected with ACADS-related conditions. This variant is not present in population databases (gnomAD no frequency). This sequence change replaces glycine, which is neutral and non-polar, with alanine, which is neutral and non-polar, at codon 371 of the ACADS protein (p.Gly371Ala).

NM_000017.4(ACADS):c.1112G>C (p.Gly371Ala)

Gene: ACADS (acyl-CoA dehydrogenase short chain; plus strand). Cytogenetic location: 12q24.31.
Variant type: single nucleotide variant.
Coding change: c.1112G>C on transcript NM_000017.4 (MANE Select); coding-DNA position 1112, G replaced by C.
Protein change: p.Gly371Ala; replaces glycine 371 with alanine.
Molecular consequence: missense variant.
Genome position (GRCh38, 1-based): chr12:120,739,321, G>C. VCF-style: chr12-120739321-G-C. GRCh37 (hg19) VCF-style: chr12-121177124-G-C.
Other names: c.1100G>C, p.Gly367Ala (NM_001302554.2); short protein forms G371A, G367A.
Identifiers: ClinVar variation 1996008 (VCV001996008.4), dbSNP rs796051905, ClinGen allele CA386601808.
Genomic context (GRCh38, chr12:120,739,321, plus strand): 5'-GTCTTCTCCCTCCTGAGCCACTGTTCTCATCTCAGGCCATCCAGATCCTGGGCGGCATGG[G>C]CTACGTGACAGAGATGCCGGCAGAGCGGCACTACCGCGACGCCCGCATCACTGAGATCTA-3'
Protein context (NP_000008.1, residues 361-381): HQAIQILGGM[Gly371Ala]YVTEMPAERH